The following is an entry in ClinVar:

NM_001134793.2(HYLS1):c.-5A>C

Genes: HYLS1 (HYLS1 centriolar and ciliogenesis associated; plus strand), PUS3 (pseudouridine synthase 3; minus strand). Cytogenetic location: 11q24.2.
Variant type: single nucleotide variant.
Coding change: c.-5A>C on transcript NM_001134793.2 (MANE Select); 5 bases upstream of the start codon, A replaced by C.
Molecular consequence: 5 prime UTR variant. On other transcripts: intron variant (2).
Genome position (GRCh38, 1-based): chr11:125,899,364, A>C. VCF-style: chr11-125899364-A-C. GRCh37 (hg19) VCF-style: chr11-125769259-A-C.
Other names: c.-5A>C (NM_001377269.1, NM_001377270.1, NM_001424364.1 and 1 more transcripts); c.-246-3575T>G (NM_001271985.2); c.-46-3034T>G (NM_031307.4).
Identifiers: ClinVar variation 3045620 (VCV003045620.2), dbSNP rs940781154, ClinGen allele CA230555060.

ClinVar aggregate classification (germline): Likely benign (0 of 4 stars; one submission).

Conditions:
HYLS1-related disorder. Also called: HYLS1-related condition.

Allele frequency attached by ClinVar (database versions not stated): gnomAD exomes below 0.00001; TOPMed below 0.00001; gnomAD 0.00001.
gnomAD v4.1: 4 of 1,613,760 alleles (0.00025%); highest among the groups gnomAD compares: Non-Finnish European, 0.00034%; no homozygotes.

Submission:

PreventionGenetics, part of Exact Sciences
Classification: Likely benign for HYLS1-related condition. Last evaluated: 2019-10-08. Review status: no assertion criteria provided. Collection method: clinical testing. Allele origin: germline.
Comment: This variant is classified as likely benign based on ACMG/AMP sequence variant interpretation guidelines (Richards et al. 2015 PMID: 25741868, with internal and published modifications).